The following is an entry in ClinVar:

NM_014014.5(SNRNP200):c.3241A>G (p.Met1081Val)

Gene: SNRNP200 (small nuclear ribonucleoprotein U5 subunit 200; minus strand). Cytogenetic location: 2q11.2.
Variant type: single nucleotide variant.
Coding change: c.3241A>G on transcript NM_014014.5 (MANE Select); coding-DNA position 3241, A replaced by G.
Protein change: p.Met1081Val; replaces methionine 1081 with valine.
Molecular consequence: missense variant.
Genome position (GRCh38, 1-based): chr2:96,288,680, T>C on the plus strand (A>G on the coding strand, the complement: SNRNP200 is on the minus strand). VCF-style: chr2-96288680-T-C. GRCh37 (hg19) VCF-style: chr2-96954418-T-C.
Other names: short protein forms M1081V.
Identifiers: ClinVar variation 1358296 (VCV001358296.8), dbSNP rs778865816, ClinGen allele CA1778520.

ClinVar aggregate classification (germline): Uncertain significance (1 of 4 stars; one submission).

Allele frequency attached by ClinVar (database versions not stated): gnomAD exomes below 0.00001; TOPMed below 0.00001; gnomAD 0.00001; ExAC 0.00002.

Submission:

Labcorp Genetics (formerly Invitae), Labcorp
Classification: Uncertain significance. Last evaluated: 2023-09-10. Review status: criteria provided, single submitter. Criteria: Invitae Variant Classification Sherloc (09022015). Collection method: clinical testing. Allele origin: germline.
Comment: In summary, the available evidence is currently insufficient to determine the role of this variant in disease. Therefore, it has been classified as a Variant of Uncertain Significance. Advanced modeling of protein sequence and biophysical properties (such as structural, functional, and spatial information, amino acid conservation, physicochemical variation, residue mobility, and thermodynamic stability) performed at Invitae indicates that this missense variant is expected to disrupt SNRNP200 protein function. ClinVar contains an entry for this variant (Variation ID: 1358296). This variant has not been reported in the literature in individuals affected with SNRNP200-related conditions. This variant is present in population databases (rs778865816, gnomAD 0.002%). This sequence change replaces methionine, which is neutral and non-polar, with valine, which is neutral and non-polar, at codon 1081 of the SNRNP200 protein (p.Met1081Val).